The following is an entry in ClinVar:

ClinVar aggregate classification (germline): Pathogenic (1 of 4 stars; one submission).

Conditions:
Landau-Kleffner syndrome (FESD). Also called: EPILEPSY, FOCAL, WITH SPEECH DISORDER AND WITH OR WITHOUT MENTAL RETARDATION; APHASIA, ACQUIRED, WITH EPILEPSY. Identifiers: Orphanet 1945, Orphanet 725, Orphanet 98818, MedGen C0282512, MONDO:0009509, OMIM 245570.

Submission:

Labcorp Genetics (formerly Invitae), Labcorp
Classification: Pathogenic for Landau-Kleffner syndrome. Last evaluated: 2022-06-13. Review status: criteria provided, single submitter. Criteria: Invitae Variant Classification Sherloc (09022015). Collection method: clinical testing. Allele origin: germline.
Comment: For these reasons, this variant has been classified as Pathogenic. This variant has not been reported in the literature in individuals affected with GRIN2A-related conditions. This variant is a gross deletion of the genomic region encompassing exon(s) 7-8 of the GRIN2A gene. This deletion is out-of-frame, and is expected to create a premature termination codon and result in an absent or disrupted protein product. Loss-of-function variants in GRIN2A are known to be pathogenic (PMID: 23933819, 23933820).

Literature cited by the submitters: PubMed 23933819; PubMed 23933820.

NC_000016.9:g.(?_9934484)_(9934981_?)del

Gene: GRIN2A (glutamate ionotropic receptor NMDA type subunit 2A; minus strand). Cytogenetic location: 16p13.2.
Variant type: Deletion.
Identifiers: ClinVar variation 1457680 (VCV001457680.8).